The following is an entry in ClinVar:

NM_001017975.6(HFM1):c.1998A>C (p.Ala666=)

Gene: HFM1 (helicase for meiosis 1; minus strand). Cytogenetic location: 1p22.2.
Variant type: single nucleotide variant.
Coding change: c.1998A>C on transcript NM_001017975.6 (MANE Select); coding-DNA position 1998, A replaced by C.
Protein change: p.Ala666=; no amino-acid change (alanine 666 retained).
Molecular consequence: synonymous variant.
Genome position (GRCh38, 1-based): chr1:91,351,623, T>G on the plus strand (A>C on the coding strand, the complement: HFM1 is on the minus strand). VCF-style: chr1-91351623-T-G. GRCh37 (hg19) VCF-style: chr1-91817180-T-G.
Identifiers: ClinVar variation 3058451 (VCV003058451.2), dbSNP rs1203369404, ClinGen allele CA418751857.
Genomic context (GRCh38, chr1:91,351,623, plus strand): 5'-GTCTCTACAAGCTAACATCTGAATGTACTTGTCCCTTGTGCTTAATCGAGTCATGATAAC[T>G]GCAGTAGCTGTAGTGTCAAACTGGGGAGAAAACAAACAGAAATTTAGTGAAGAAGAGCAC-3'
Protein context (NP_001017975.5, residues 656-676): GRPQFDTTAT[Ala666=]VIMTRLSTRD

ClinVar aggregate classification (germline): Likely benign (0 of 4 stars; one submission).

Conditions:
HFM1-related disorder. Also called: HFM1-related condition.

Allele frequency attached by ClinVar (database versions not stated): gnomAD exomes 0.00001; TOPMed 0.00001; gnomAD 0.00003.
gnomAD v4.1: 13 of 1,596,966 alleles (0.00081%); highest among the groups gnomAD compares: Admixed American, 0.012%; no homozygotes.

Submission:

PreventionGenetics, part of Exact Sciences
Classification: Likely benign for HFM1-related condition. Last evaluated: 2019-02-28. Review status: no assertion criteria provided. Collection method: clinical testing. Allele origin: germline.
Comment: This variant is classified as likely benign based on ACMG/AMP sequence variant interpretation guidelines (Richards et al. 2015 PMID: 25741868, with internal and published modifications).